The following is an entry in ClinVar:

NM_031372.4(HNRNPDL):c.352G>A (p.Val118Ile)

Gene: HNRNPDL (heterogeneous nuclear ribonucleoprotein D like; minus strand). Cytogenetic location: 4q21.22.
Variant type: single nucleotide variant.
Coding change: c.352G>A on transcript NM_031372.4 (MANE Select); coding-DNA position 352, G replaced by A.
Protein change: p.Val118Ile; replaces valine 118 with isoleucine.
Molecular consequence: missense variant. On other transcripts: non-coding transcript variant (1).
Genome position (GRCh38, 1-based): chr4:82,429,339, C>T on the plus strand (G>A on the coding strand, the complement: HNRNPDL is on the minus strand). VCF-style: chr4-82429339-C-T. GRCh37 (hg19) VCF-style: chr4-83350492-C-T.
Other names: c.352G>A, p.Val118Ile (NM_001207000.1); short protein forms V118I.
Identifiers: ClinVar variation 2057521 (VCV002057521.4), dbSNP rs770762621, ClinGen allele CA2985027.

ClinVar aggregate classification (germline): Uncertain significance (1 of 4 stars; one submission).

Conditions:
Autosomal dominant limb-girdle muscular dystrophy type 1G (LGMDD3). Also called: Limb-girdle muscular dystrophy, type 1G; MUSCULAR DYSTROPHY, LIMB-GIRDLE, AUTOSOMAL DOMINANT 3. Identifiers: Orphanet 55596, MedGen C1836765, MONDO:0012193, OMIM 609115.

Allele frequency attached by ClinVar (database versions not stated): TOPMed below 0.00001; ExAC 0.00001.
gnomAD v4.1: 6 of 1,613,856 alleles (0.00037%); highest among the groups gnomAD compares: Non-Finnish European, 0.00051%; no homozygotes.

Submission:

Labcorp Genetics (formerly Invitae), Labcorp
Classification: Uncertain significance for Autosomal dominant limb-girdle muscular dystrophy type 1G. Last evaluated: 2022-07-02. Review status: criteria provided, single submitter. Criteria: Invitae Variant Classification Sherloc (09022015). Collection method: clinical testing. Allele origin: germline.
Comment: This sequence change replaces valine, which is neutral and non-polar, with isoleucine, which is neutral and non-polar, at codon 118 of the HNRNPDL protein (p.Val118Ile). This variant is present in population databases (rs770762621, gnomAD 0.0009%). This variant has not been reported in the literature in individuals affected with HNRNPDL-related conditions. Algorithms developed to predict the effect of missense changes on protein structure and function (SIFT, PolyPhen-2, Align-GVGD) all suggest that this variant is likely to be tolerated. In summary, the available evidence is currently insufficient to determine the role of this variant in disease. Therefore, it has been classified as a Variant of Uncertain Significance.